The following is an entry in ClinVar:

NM_001848.3(COL6A1):c.925G>A (p.Glu309Lys)

Gene: COL6A1 (collagen type VI alpha 1 chain; plus strand). Cytogenetic location: 21q22.3.
Variant type: single nucleotide variant.
Coding change: c.925G>A on transcript NM_001848.3 (MANE Select); coding-DNA position 925, G replaced by A.
Protein change: p.Glu309Lys; replaces glutamic acid 309 with lysine.
Molecular consequence: missense variant.
Genome position (GRCh38, 1-based): chr21:45,989,773, G>A. VCF-style: chr21-45989773-G-A. GRCh37 (hg19) VCF-style: chr21-47409687-G-A.
Other names: short protein forms E309K.
Identifiers: ClinVar variation 2104702 (VCV002104702.4), dbSNP rs1405009563, ClinGen allele CA410522354.

ClinVar aggregate classification (germline): Uncertain significance (1 of 4 stars; one submission).

Conditions:
Bethlem myopathy 1A. Also called: MYOPATHY, BENIGN CONGENITAL, WITH CONTRACTURES; Bethlem myopathy 1; Bethlem Muscular Dystrophy. Identifiers: Orphanet 610, MedGen CN029274, MONDO:0024530, OMIM 158810.

Allele frequency attached by ClinVar (database versions not stated): TOPMed 0.00001.

Submission:

Labcorp Genetics (formerly Invitae), Labcorp
Classification: Uncertain significance for Bethlem myopathy 1A. Last evaluated: 2022-02-28. Review status: criteria provided, single submitter. Criteria: Invitae Variant Classification Sherloc (09022015). Collection method: clinical testing. Allele origin: germline.
Comment: In summary, the available evidence is currently insufficient to determine the role of this variant in disease. Therefore, it has been classified as a Variant of Uncertain Significance. Advanced modeling of protein sequence and biophysical properties (such as structural, functional, and spatial information, amino acid conservation, physicochemical variation, residue mobility, and thermodynamic stability) performed at Invitae indicates that this missense variant is not expected to disrupt COL6A1 protein function. This variant has not been reported in the literature in individuals affected with COL6A1-related conditions. This variant is not present in population databases (gnomAD no frequency). This sequence change replaces glutamic acid, which is acidic and polar, with lysine, which is basic and polar, at codon 309 of the COL6A1 protein (p.Glu309Lys).